The following is an entry in ClinVar:

NM_000059.4(BRCA2):c.1249dup (p.Ser417fs)

Gene: BRCA2 (BRCA2 DNA repair associated; plus strand). Cytogenetic location: 13q13.1.
Variant type: Duplication.
Coding change: c.1249dup on transcript NM_000059.4 (MANE Select); coding-DNA position 1249, one base duplicated (T; older notation c.1249dupT).
Protein change: p.Ser417fs; shifts the reading frame from serine 417.
Molecular consequence: frameshift variant. On other transcripts: non-coding transcript variant (1), intron variant (1).
Genome position (GRCh38, 1-based): chr13:32,332,727, T duplicated; the last of 3 consecutive T bases (chr13:32,332,725-32,332,727); duplicating any one gives the same sequence. VCF-style (leftmost placement, unchanged base first): chr13-32332724-A-AT. GRCh37 (hg19) VCF-style: chr13-32906861-A-AT.
Other names: c.1249_1250insT (NM_000059.4); c.1249dup, p.Ser417fs (NM_001406719.1, NM_001406720.1, NM_001406721.1); c.424+1697dup (NM_001406722.1); short protein forms S417fs.
Identifiers: ClinVar variation 3061995 (VCV003061995.1), dbSNP rs886040352, ClinGen allele CA2740097652.

ClinVar aggregate classification (germline): Pathogenic (1 of 4 stars; one submission).

Conditions:
Breast-ovarian cancer, familial, susceptibility to, 2 (BROVCA2). Also called: BRCA2 Hereditary Breast and Ovarian Cancer. Identifiers: Orphanet 145, MedGen C2675520, MONDO:0012933, OMIM 612555. Disease mechanism: loss of function.

Submission:

Research and Development Unit, inDNA Life Sciences Pvt. Ltd.
Classification: Pathogenic for Breast-ovarian cancer, familial, susceptibility to, 2. Review status: criteria provided, single submitter. Criteria: ACMG Guidelines, 2015. Collection method: clinical testing. Allele origin: germline. Affected: yes. Observed: 1 variant allele.
Comment: A protein truncating frameshift insertion variant was detected in Exon-10 of BRCA2 gene with 3984x depth coverage with allele frequency of 52.48%. The effect of the exonic variant was validated using different bioinformatic variant prediction tools (MutationTaster2, SIFT, PolyPhenV2, PROVEAN, CADD). All predicted the variant as Deleterous/ Damaging.